The following is an entry in ClinVar:

ClinVar aggregate classification (germline): Uncertain significance (1 of 4 stars; one submission).

Conditions:
Ataxia-telangiectasia syndrome (AT). Also called: Ataxia-telangiectasia, complementation group D; AT, COMPLEMENTATION GROUP C; Cerebello-oculocutaneous telangiectasia; Immunodeficiency with ataxia telangiectasia; Ataxia-telangiectasia, complementation group E; LOUIS-BAR SYNDROME. Identifiers: Orphanet 100, MedGen C0004135, MONDO:0008840, OMIM 208900.

Submission:

Labcorp Genetics (formerly Invitae), Labcorp
Classification: Uncertain significance for Ataxia-telangiectasia syndrome. Last evaluated: 2021-08-16. Review status: criteria provided, single submitter. Criteria: Invitae Variant Classification Sherloc (09022015). Collection method: clinical testing. Allele origin: germline.
Comment: In summary, the available evidence is currently insufficient to determine the role of this variant in disease. Therefore, it has been classified as a Variant of Uncertain Significance. Advanced modeling of protein sequence and biophysical properties (such as structural, functional, and spatial information, amino acid conservation, physicochemical variation, residue mobility, and thermodynamic stability) performed at Invitae indicates that this missense variant is not expected to disrupt ATM protein function. This variant has not been reported in the literature in individuals affected with ATM-related conditions. This variant is not present in population databases (ExAC no frequency). This sequence change replaces asparagine with histidine at codon 1293 of the ATM protein (p.Asn1293His). The asparagine residue is moderately conserved and there is a small physicochemical difference between asparagine and histidine.

NM_000051.4(ATM):c.3877A>C (p.Asn1293His)

Gene: ATM (ATM serine/threonine kinase; plus strand). Cytogenetic location: 11q22.3.
Variant type: single nucleotide variant.
Coding change: c.3877A>C on transcript NM_000051.4 (MANE Select); coding-DNA position 3877, A replaced by C.
Protein change: p.Asn1293His; replaces asparagine 1293 with histidine.
Molecular consequence: missense variant.
Genome position (GRCh38, 1-based): chr11:108,284,357, A>C. VCF-style: chr11-108284357-A-C. GRCh37 (hg19) VCF-style: chr11-108155084-A-C.
Other names: c.3877A>C, p.Asn1293His (NM_001351834.2); short protein forms N1293H.
Identifiers: ClinVar variation 1468854 (VCV001468854.6), dbSNP rs2135707323, ClinGen allele CA382525402.